The following is an entry in ClinVar:

ClinVar aggregate classification (germline): Uncertain significance (1 of 4 stars; one submission).

Submission:

GeneDx
Classification: Uncertain significance. Last evaluated: 2023-03-22. Review status: criteria provided, single submitter. Criteria: GeneDx Variant Classification Process June 2021. Collection method: clinical testing. Allele origin: germline. Affected: yes.
Comment: Not observed at significant frequency in large population cohorts (gnomAD); In silico analysis supports that this missense variant has a deleterious effect on protein structure/function; Has not been previously published as pathogenic or benign to our knowledge

NM_002240.5(KCNJ6):c.491G>T (p.Cys164Phe)

Genes: KCNJ6 (potassium inwardly rectifying channel subfamily J member 6; minus strand), KCNJ6-AS1 (KCNJ6 antisense RNA 1; plus strand). Cytogenetic location: 21q22.13.
Variant type: single nucleotide variant.
Coding change: c.491G>T on transcript NM_002240.5 (MANE Select); coding-DNA position 491, G replaced by T.
Protein change: p.Cys164Phe; replaces cysteine 164 with phenylalanine.
Molecular consequence: missense variant. On other transcripts: non-coding transcript variant (1).
Genome position (GRCh38, 1-based): chr21:37,714,666, C>A on the plus strand (G>T on the coding strand, the complement: KCNJ6 is on the minus strand). VCF-style: chr21-37714666-C-A. GRCh37 (hg19) VCF-style: chr21-39086969-C-A.
Other names: short protein forms C164F.
Identifiers: ClinVar variation 2580426 (VCV002580426.1), dbSNP rs2518196956, ClinGen allele CA409968695.